The following is an entry in ClinVar:

ClinVar aggregate classification (germline): Uncertain significance. Review status: criteria provided, multiple submitters, no conflicts (2 of 4 stars). 3 submissions from 3 submitters: Uncertain significance (3). Last evaluated 2025-08-02.

Allele frequency attached by ClinVar (database versions not stated): gnomAD 0.00001; gnomAD exomes 0.00001; TOPMed 0.00002.
gnomAD v4.1: 14 of 1,614,036 alleles (0.00087%); highest among the groups gnomAD compares: Non-Finnish European, 0.0012%; no homozygotes.

Submissions (3):

Ambry Genetics
Classification: Uncertain significance. Last evaluated: 2025-08-02. Review status: criteria provided, single submitter. Criteria: Ambry Variant Classification Scheme 2023. Collection method: clinical testing. Allele origin: germline.
Comment: The p.T411A variant (also known as c.1231A>G), located in coding exon 7 of the GALNT12 gene, results from an A to G substitution at nucleotide position 1231. The threonine at codon 411 is replaced by alanine, an amino acid with similar properties. This amino acid position is well conserved in available vertebrate species. In addition, this alteration is predicted to be tolerated by in silico analysis. Since supporting evidence is limited at this time, the clinical significance of this alteration remains unclear.

Quest Diagnostics Nichols Institute San Juan Capistrano
Classification: Uncertain significance. Last evaluated: 2025-07-18. Review status: criteria provided, single submitter. Criteria: Quest Diagnostics criteria. Collection method: clinical testing. Allele origin: unknown.
Comment: The GALNT12 c.1231A>G (p.Thr411Ala) variant has not been reported in individuals with GALNT12-related conditions in the published literature. The frequency of this variant in the general population (Genome Aggregation Database) is uninformative in the assessment of its pathogenicity. Analysis of this variant using bioinformatics tools for the prediction of the effect of amino acid changes on protein structure and function yielded conflicting predictions that this variant is deleterious or benign. Based on the available information, we are unable to determine the clinical significance of this variant.

Labcorp Genetics (formerly Invitae), Labcorp
Classification: Uncertain significance. Last evaluated: 2024-09-23. Review status: criteria provided, single submitter. Criteria: Invitae Variant Classification Sherloc (09022015). Collection method: clinical testing. Allele origin: germline.
Comment: This sequence change replaces threonine, which is neutral and polar, with alanine, which is neutral and non-polar, at codon 411 of the GALNT12 protein (p.Thr411Ala). This variant is not present in population databases (gnomAD no frequency). This variant has not been reported in the literature in individuals affected with GALNT12-related conditions. ClinVar contains an entry for this variant (Variation ID: 1422823). Invitae Evidence Modeling of protein sequence and biophysical properties (such as structural, functional, and spatial information, amino acid conservation, physicochemical variation, residue mobility, and thermodynamic stability) indicates that this missense variant is not expected to disrupt GALNT12 protein function with a negative predictive value of 80%. In summary, the available evidence is currently insufficient to determine the role of this variant in disease. Therefore, it has been classified as a Variant of Uncertain Significance.

NM_024642.5(GALNT12):c.1231A>G (p.Thr411Ala)

Gene: GALNT12 (polypeptide N-acetylgalactosaminyltransferase 12; plus strand). Cytogenetic location: 9q22.33.
Variant type: single nucleotide variant.
Coding change: c.1231A>G on transcript NM_024642.5 (MANE Select); coding-DNA position 1231, A replaced by G.
Protein change: p.Thr411Ala; replaces threonine 411 with alanine.
Molecular consequence: missense variant.
Genome position (GRCh38, 1-based): chr9:98,840,020, A>G. VCF-style: chr9-98840020-A-G. GRCh37 (hg19) VCF-style: chr9-101602302-A-G.
Other names: short protein forms T411A.
Identifiers: ClinVar variation 1422823 (VCV001422823.13), dbSNP rs1052099605, ClinGen allele CA196829580.